The following is an entry in ClinVar:

ClinVar aggregate classification (germline): Likely benign. Review status: criteria provided, multiple submitters, no conflicts (2 of 4 stars). 2 submissions from 2 submitters: Likely benign (2). Last evaluated 2025-03-04.

Allele frequency attached by ClinVar (database versions not stated): 1000 Genomes Project 30x 0.00047; ExAC 0.00066; gnomAD 0.00095 and 0.00099; gnomAD exomes 0.00103; TOPMed 0.00114.

Submissions (2):

Center for Genomic Medicine, Rigshospitalet, Copenhagen University Hospital
Classification: Likely benign. Last evaluated: 2025-03-04. Review status: criteria provided, single submitter. Criteria: ACMG Guidelines, 2015. Collection method: clinical testing. Allele origin: germline.

GeneDx
Classification: Likely benign. Last evaluated: 2017-11-29. Review status: criteria provided, single submitter. Criteria: GeneDx Variant Classification (06012015). Collection method: clinical testing. Allele origin: germline. Affected: yes.
Comment: This variant is considered likely benign or benign based on one or more of the following criteria: it is a conservative change, it occurs at a poorly conserved position in the protein, it is predicted to be benign by multiple in silico algorithms, and/or has population frequency not consistent with disease.

NM_006231.4(POLE):c.-44C>A

Genes: POLE (DNA polymerase epsilon, catalytic subunit; minus strand), LOC130009266 (ATAC-STARR-seq lymphoblastoid silent region 5123; plus strand). Cytogenetic location: 12q24.33.
Variant type: single nucleotide variant.
Coding change: c.-44C>A on transcript NM_006231.4 (MANE Select); 44 bases upstream of the start codon, C replaced by A.
Genome position (GRCh38, 1-based): chr12:132,687,359, G>T on the plus strand (C>A on the coding strand, the complement: POLE is on the minus strand). VCF-style: chr12-132687359-G-T. GRCh37 (hg19) VCF-style: chr12-133263945-G-T.
Identifiers: ClinVar variation 380430 (VCV000380430.8), dbSNP rs754662026, ClinGen allele CA6894480.
Genomic context (GRCh38, chr12:132,687,359, plus strand): 5'-CCGCTCCTCAGAGACATGGAGCCGTTGGCTACCACCTCTGCTTCAGGGGAGAAATTTGGC[G>T]CGCTCCCACCCAGACTCGCGAGAGCCGGAAATGCCGCCGTCCATCAAGAGGCGCGCTCCG-3'